The following is an entry in ClinVar:

ClinVar aggregate classification (germline): Uncertain significance (1 of 4 stars; one submission).

Allele frequency attached by ClinVar (database versions not stated): gnomAD 0.00003.

Submission:

GeneDx
Classification: Uncertain significance. Last evaluated: 2018-05-09. Review status: criteria provided, single submitter. Criteria: GeneDx Variant Classification (06012015). Collection method: clinical testing. Allele origin: germline. Affected: yes.
Comment: The c.-161-8 A>G variant of uncertain significance in the KCNE1 gene has not been published as pathogenic or been reported as benign to our knowledge. The c.-161-8 A>G variant is not observed at a significant frequency in large population cohorts (Lek et al., 2016). In silico splice prediction programs predict c.-161-8 A>G may either destroy the natural splice acceptor site or create a cryptic splice acceptor site. This may lead to either an abnormal message that is subject to nonsense-mediated mRNA decay, or to an abnormal protein product if the message is used for protein translation. Additionally, this substitution occurs at a nucleotide that is conserved in mammals. However, in the absence of functional mRNA studies, the physiological consequence of this variant cannot be precisely determined. Furthermore, no splice site variants in the KCNE1 gene have been reported in the Human Gene Mutation Database (Stenson et al., 2014).

NM_000219.6(KCNE1):c.-161-8A>G

Gene: KCNE1 (potassium voltage-gated channel subfamily E regulatory subunit 1; minus strand). Cytogenetic location: 21q22.12.
Variant type: single nucleotide variant.
Coding change: c.-161-8A>G on transcript NM_000219.6 (MANE Select); 8 bases into the intron before 161 bases upstream of the start codon, A replaced by G.
Molecular consequence: intron variant.
Genome position (GRCh38, 1-based): chr21:34,458,772, T>C on the plus strand (A>G on the coding strand, the complement: KCNE1 is on the minus strand). VCF-style: chr21-34458772-T-C. GRCh37 (hg19) VCF-style: chr21-35831070-T-C.
Other names: c.-133-36A>G (NM_001270403.2, NM_001127669.4); c.-50-9088A>G (NM_001270404.3); c.-161-8A>G (NM_001270402.3, NM_001270405.3, NM_001127668.4).
Identifiers: ClinVar variation 418268 (VCV000418268.2), dbSNP rs1064793158, ClinGen allele CA16620990.